The following is an entry in ClinVar:

ClinVar aggregate classification (germline): Uncertain significance (1 of 4 stars; one submission).

Conditions:
Familial adenomatous polyposis 1 (FAP1). Also called: FAMILIAL ADENOMATOUS POLYPOSIS 1, ATTENUATED; POLYPOSIS, ADENOMATOUS INTESTINAL. Identifiers: MedGen C2713442, MONDO:0021056, OMIM 175100. Disease mechanism: loss of function.

Submission:

Labcorp Genetics (formerly Invitae), Labcorp
Classification: Uncertain significance for Familial adenomatous polyposis 1. Last evaluated: 2024-08-13. Review status: criteria provided, single submitter. Criteria: Invitae Variant Classification Sherloc (09022015). Collection method: clinical testing. Allele origin: germline.
Comment: This sequence change replaces alanine, which is neutral and non-polar, with proline, which is neutral and non-polar, at codon 160 of the APC protein (p.Ala160Pro). This variant is not present in population databases (gnomAD no frequency). This variant has not been reported in the literature in individuals affected with APC-related conditions. Advanced modeling of protein sequence and biophysical properties (such as structural, functional, and spatial information, amino acid conservation, physicochemical variation, residue mobility, and thermodynamic stability) performed at Invitae indicates that this missense variant is not expected to disrupt APC protein function with a negative predictive value of 95%. In summary, the available evidence is currently insufficient to determine the role of this variant in disease. Therefore, it has been classified as a Variant of Uncertain Significance.

NM_000038.6(APC):c.478G>C (p.Ala160Pro)

Gene: APC (APC regulator of Wnt signaling pathway; plus strand). Cytogenetic location: 5q22.2.
Variant type: single nucleotide variant.
Coding change: c.478G>C on transcript NM_000038.6 (MANE Select); coding-DNA position 478, G replaced by C.
Protein change: p.Ala160Pro; replaces alanine 160 with proline.
Molecular consequence: missense variant. On other transcripts: 5 prime UTR variant (4), non-coding transcript variant (2).
Genome position (GRCh38, 1-based): chr5:112,775,684, G>C. VCF-style: chr5-112775684-G-C. GRCh37 (hg19) VCF-style: chr5-112111381-G-C.
Other names: c.478G>C, p.Ala160Pro (NM_001127510.3, NM_001354895.2, NM_001354896.2 and 16 more transcripts); c.508G>C, p.Ala170Pro (NM_001127511.3, NM_001354897.2, NM_001354902.2 and 1 more transcripts); c.403G>C, p.Ala135Pro (NM_001354898.2, NM_001354904.2, NM_001407451.1); c.301G>C, p.Ala101Pro (NM_001354900.2, NM_001354901.2, NM_001354905.2 and 1 more transcripts); c.-558G>C (NM_001354906.2, NM_001407470.1, NM_001407471.1 and 1 more transcripts); short protein forms A170P, A101P, A135P, A160P.
Identifiers: ClinVar variation 3635396 (VCV003635396.2).